The following is an entry in ClinVar:

ClinVar aggregate classification (germline): Uncertain significance (1 of 4 stars; one submission).

Conditions:
RYR1-related disorder. Also called: RYR1-related condition; RYR1-related disorders. Identifiers: MedGen CN239331.

Submission:

Labcorp Genetics (formerly Invitae), Labcorp
Classification: Uncertain significance for RYR1-related disorder. Last evaluated: 2022-10-25. Review status: criteria provided, single submitter. Criteria: Invitae Variant Classification Sherloc (09022015). Collection method: clinical testing. Allele origin: germline.
Comment: This sequence change falls in intron 38 of the RYR1 gene. It does not directly change the encoded amino acid sequence of the RYR1 protein. It affects a nucleotide within the consensus splice site. This variant is not present in population databases (gnomAD no frequency). This variant has not been reported in the literature in individuals affected with RYR1-related conditions. Variants that disrupt the consensus splice site are a relatively common cause of aberrant splicing (PMID: 17576681, 9536098). Algorithms developed to predict the effect of sequence changes on RNA splicing suggest that this variant may disrupt the consensus splice site. In summary, the available evidence is currently insufficient to determine the role of this variant in disease. Therefore, it has been classified as a Variant of Uncertain Significance.

Literature cited by the submitters: PubMed 17576681; PubMed 9536098.

NM_000540.3(RYR1):c.6274+5G>A

Gene: RYR1 (ryanodine receptor 1; plus strand). Cytogenetic location: 19q13.2.
Variant type: single nucleotide variant.
Coding change: c.6274+5G>A on transcript NM_000540.3 (MANE Select); 5 bases into the intron after coding-DNA position 6274, G replaced by A.
Molecular consequence: intron variant.
Genome position (GRCh38, 1-based): chr19:38,492,641, G>A. VCF-style: chr19-38492641-G-A. GRCh37 (hg19) VCF-style: chr19-38983281-G-A.
Other names: c.6274+5G>A (NM_001042723.2).
Identifiers: ClinVar variation 2026991 (VCV002026991.4), dbSNP rs2514265593, ClinGen allele CA2580096923.